The following is an entry in ClinVar:

NM_001042492.3(NF1):c.5440C>T (p.His1814Tyr)

Gene: NF1 (neurofibromin 1; plus strand). Cytogenetic location: 17q11.2.
Variant type: single nucleotide variant.
Coding change: c.5440C>T on transcript NM_001042492.3 (MANE Select); coding-DNA position 5440, C replaced by T.
Protein change: p.His1814Tyr; replaces histidine 1814 with tyrosine.
Molecular consequence: missense variant.
Genome position (GRCh38, 1-based): chr17:31,327,670, C>T. VCF-style: chr17-31327670-C-T. GRCh37 (hg19) VCF-style: chr17-29654688-C-T.
Other names: c.5377C>T, p.His1793Tyr (NM_000267.4); short protein forms H1814Y, H1793Y.
Identifiers: ClinVar variation 480170 (VCV000480170.8), dbSNP rs1036523228, ClinGen allele CA399009445.
Genomic context (GRCh38, chr17:31,327,670, plus strand): 5'-GTAGATGAGAACCAGTTCACCTTAACCATTGCAAACCAGGGCACGCCGCTCACCTTCATG[C>T]ACCAGGAGTGTGAAGCCATTGTCCAGTCTATCATTCATATCCGGACCCGCTGGGAACTGT-3'
Protein context (NP_001035957.1, residues 1804-1824): ANQGTPLTFM[His1814Tyr]QECEAIVQSI

ClinVar aggregate classification (germline): Uncertain significance. Review status: criteria provided, multiple submitters, no conflicts (2 of 4 stars). 2 submissions from 2 submitters: Uncertain significance (2). Last evaluated 2023-11-16.

Conditions:
Cardiovascular phenotype. Identifiers: MedGen CN230736.
Hereditary cancer-predisposing syndrome. Also called: Hereditary neoplastic syndrome; Neoplastic Syndromes, Hereditary; Tumor predisposition; Hereditary Cancer Syndrome. Identifiers: Orphanet 140162, MedGen C0027672, MeSH D009386, MONDO:0015356.
Neurofibromatosis, type 1 (NF1). Also called: VON RECKLINGHAUSEN DISEASE; Peripheral type neurofibromatosis; NEUROFIBROMATOSIS, TYPE I, SOMATIC; Neurofibromatosis, type I. Identifiers: Orphanet 636, MedGen C0027831, MONDO:0018975, OMIM 162200. Disease mechanism: loss of function.

Submissions (2):

Ambry Genetics
Classification: Uncertain significance for Cardiovascular phenotype; Hereditary cancer-predisposing syndrome. Last evaluated: 2023-11-16. Review status: criteria provided, single submitter. Criteria: Ambry Variant Classification Scheme 2023. Collection method: clinical testing. Allele origin: germline.
Comment: The p.H1793Y variant (also known as c.5377C>T), located in coding exon 37 of the NF1 gene, results from a C to T substitution at nucleotide position 5377. The histidine at codon 1793 is replaced by tyrosine, an amino acid with similar properties. This variant was not reported in population based cohorts in the following databases: Database of Single Nucleotide Polymorphisms (dbSNP), NHLBI Exome Sequencing Project (ESP), and 1000 Genomes Project. In the ESP, this variant was not observed in 6503 samples (13006 alleles) with coverage at this position. To date, this alteration has been detected with an allele frequency of approximately 0.001% (greater than 175000 alleles tested) in our clinical cohort. This amino acid position is highly conserved in available vertebrate species. In addition, this alteration is predicted to be deleterious by in silico analysis. Since supporting evidence is limited at this time, the clinical significance of this alteration remains unclear.

Labcorp Genetics (formerly Invitae), Labcorp
Classification: Uncertain significance for Neurofibromatosis, type 1. Last evaluated: 2023-09-11. Review status: criteria provided, single submitter. Criteria: Invitae Variant Classification Sherloc (09022015). Collection method: clinical testing. Allele origin: germline.
Comment: In summary, the available evidence is currently insufficient to determine the role of this variant in disease. Therefore, it has been classified as a Variant of Uncertain Significance. Advanced modeling of protein sequence and biophysical properties (such as structural, functional, and spatial information, amino acid conservation, physicochemical variation, residue mobility, and thermodynamic stability) performed at Invitae indicates that this missense variant is expected to disrupt NF1 protein function. ClinVar contains an entry for this variant (Variation ID: 480170). This variant has not been reported in the literature in individuals affected with NF1-related conditions. This variant is not present in population databases (gnomAD no frequency). This sequence change replaces histidine, which is basic and polar, with tyrosine, which is neutral and polar, at codon 1793 of the NF1 protein (p.His1793Tyr).